The following is an entry in ClinVar:

NM_005475.3(SH2B3):c.1295C>T (p.Pro432Leu)

Gene: SH2B3 (SH2B adaptor protein 3; plus strand). Cytogenetic location: 12q24.12.
Variant type: single nucleotide variant.
Coding change: c.1295C>T on transcript NM_005475.3 (MANE Select); coding-DNA position 1295, C replaced by T.
Protein change: p.Pro432Leu; replaces proline 432 with leucine.
Molecular consequence: missense variant.
Genome position (GRCh38, 1-based): chr12:111,447,714, C>T. VCF-style: chr12-111447714-C-T. GRCh37 (hg19) VCF-style: chr12-111885518-C-T.
Other names: c.689C>T, p.Pro230Leu (NM_001291424.1); short protein forms P230L, P432L.
Identifiers: ClinVar variation 3953494 (VCV003953494.1).

ClinVar aggregate classification (germline): Uncertain significance (1 of 4 stars; one submission).

Conditions:
Inborn genetic diseases. Identifiers: MedGen C0950123, MeSH D030342.

gnomAD v4.1: 2 of 1,614,008 alleles (0.00012%); highest among the groups gnomAD compares: East Asian, 0.0022%; no homozygotes.

Submission:

Ambry Genetics
Classification: Uncertain significance for Inborn genetic diseases. Last evaluated: 2025-05-11. Review status: criteria provided, single submitter. Criteria: Ambry Variant Classification Scheme 2023. Collection method: clinical testing. Allele origin: germline.
Comment: The p.P432L variant (also known as c.1295C>T), located in coding exon 6 of the SH2B3 gene, results from a C to T substitution at nucleotide position 1295. The proline at codon 432 is replaced by leucine, an amino acid with similar properties. This amino acid position is conserved. In addition, this alteration is predicted to be tolerated by in silico analysis. Based on the available evidence, the clinical significance of this variant remains unclear.